The following is an entry in ClinVar:

ClinVar aggregate classification (germline): Benign/Likely benign. Review status: criteria provided, multiple submitters, no conflicts (2 of 4 stars). 28 submissions from 21 submitters: Benign (17); Likely benign (5). 6 of the submissions do not count toward it. Last evaluated 2026-05-01.

Conditions:
Dilated cardiomyopathy 1G (CMD1G). Identifiers: Orphanet 154, MedGen C1858763, MONDO:0011400, OMIM 604145.
Autosomal recessive limb-girdle muscular dystrophy type 2J (LGMDR10). Also called: MUSCULAR DYSTROPHY, LIMB-GIRDLE, AUTOSOMAL RECESSIVE 10; Limb-girdle muscular dystrophy, type 2J. Identifiers: Orphanet 140922, MedGen C1837342, MONDO:0012127, OMIM 608807.
Cardiovascular phenotype. Identifiers: MedGen CN230736.
Cardiomyopathy (CMYO). Also called: Cardiomyopathies. Identifiers: Orphanet 167848, MedGen C0878544, MONDO:0004994, HP:0001638. Inheritance: Various modes of inheritance.
Early-onset myopathy with fatal cardiomyopathy (CMYO5). Also called: CONGENITAL MYOPATHY 5 WITH CARDIOMYOPATHY; Salih Myopathy. Identifiers: Orphanet 289377, MedGen C2673677, MONDO:0012714, OMIM 611705. Disease mechanism: loss of function.
Myopathy, myofibrillar, 9, with early respiratory failure (MFM9). Also called: Myopathy, distal, with early respiratory failure, autosomal dominant; Hereditary myopathy with early respiratory failure; MYOPATHY, PROXIMAL, WITH EARLY RESPIRATORY MUSCLE INVOLVEMENT; EDSTROM MYOPATHY. Identifiers: Orphanet 178464, Orphanet 34521, MedGen C1863599, MONDO:0011362, OMIM 603689.
Tibial muscular dystrophy (TMD). Also called: Udd Distal Myopathy – Tibial Muscular Dystrophy; Tibial muscular dystrophy, tardive; UDD MYOPATHY. Identifiers: Orphanet 609, MedGen C1838244, MONDO:0010870, OMIM 600334.

Allele frequency attached by ClinVar (database versions not stated): TOPMed 0.00178; 1000 Genomes Project 0.00459; 1000 Genomes Project 30x 0.00390.
gnomAD v4.1: 935 of 1,613,318 alleles (0.058%); highest among the groups gnomAD compares: East Asian, 1.3%; 22 homozygotes.

Submissions (28):

CeGaT Center for Human Genetics Tuebingen
Classification: Benign. Last evaluated: 2026-05-01. Review status: criteria provided, single submitter. Criteria: CeGaT Center For Human Genetics Tuebingen Variant Classification Criteria Version 2. Collection method: clinical testing. Allele origin: germline. Affected: yes. Observed: 2 variant alleles.
Comment: TTN: BS1, BS2

Molecular Diagnostic Laboratory for Inherited Cardiovascular Disease, Montreal Heart Institute
Classification: Likely benign. Last evaluated: 2026-03-27. Review status: criteria provided, single submitter. Criteria: ACMG Guidelines, 2015. Collection method: clinical testing. Allele origin: germline. Affected: no.
Comment: BS1;BP1

Labcorp Genetics (formerly Invitae), Labcorp
Classification: Benign for Dilated cardiomyopathy 1G; Autosomal recessive limb-girdle muscular dystrophy type 2J. Last evaluated: 2026-02-03. Review status: criteria provided, single submitter. Criteria: Invitae Variant Classification Sherloc (09022015). Collection method: clinical testing. Allele origin: germline.

Blueprint Genetics
Classification: Likely benign. Last evaluated: 2024-11-20. Review status: criteria provided, single submitter. Criteria: ACMG Guidelines, 2015. Collection method: clinical testing. Allele origin: germline.

ARUP Laboratories, Molecular Genetics and Genomics, ARUP Laboratories
Classification: Benign. Last evaluated: 2024-07-25. Review status: criteria provided, single submitter. Criteria: ARUP Molecular Germline Variant Investigation Process 2024. Collection method: clinical testing. Allele origin: germline.

Women's Health and Genetics/Laboratory Corporation of America, LabCorp
Classification: Likely benign. Last evaluated: 2023-01-21. Review status: criteria provided, single submitter. Criteria: LabCorp Variant Classification Summary - May 2015. Collection method: clinical testing. Allele origin: germline.

Genome-Nilou Lab
Classification: Benign for Autosomal recessive limb-girdle muscular dystrophy type 2J. Last evaluated: 2021-09-10. Review status: criteria provided, single submitter. Criteria: ACMG Guidelines, 2015. Collection method: clinical testing. Allele origin: germline. Affected: no.

Genome-Nilou Lab
Classification: Benign for Myopathy, myofibrillar, 9, with early respiratory failure. Last evaluated: 2021-09-10. Review status: criteria provided, single submitter. Criteria: ACMG Guidelines, 2015. Collection method: clinical testing. Allele origin: germline. Affected: no.

Genome-Nilou Lab
Classification: Benign for Early-onset myopathy with fatal cardiomyopathy. Last evaluated: 2021-09-10. Review status: criteria provided, single submitter. Criteria: ACMG Guidelines, 2015. Collection method: clinical testing. Allele origin: germline. Affected: no.

Genome-Nilou Lab
Classification: Benign for Tibial muscular dystrophy. Last evaluated: 2021-09-10. Review status: criteria provided, single submitter. Criteria: ACMG Guidelines, 2015. Collection method: clinical testing. Allele origin: germline. Affected: no.

Mayo Clinic Laboratories, Mayo Clinic
Classification: Benign. Last evaluated: 2019-04-11. Review status: criteria provided, single submitter. Criteria: ACMG Guidelines, 2015. Collection method: clinical testing. Allele origin: germline. Observed: 10 variant alleles.

Illumina Laboratory Services, Illumina
Classification: Benign for Autosomal recessive limb-girdle muscular dystrophy type 2J. Last evaluated: 2017-06-27. Review status: criteria provided, single submitter. Criteria: ICSL Variant Classification Criteria 13 December 2019. Collection method: clinical testing. Allele origin: germline.
Comment: This variant was observed as part of a predisposition screen in an ostensibly healthy population. A literature search was performed for the gene, cDNA change, and amino acid change (where applicable). No publications were found based on this search. Allele frequency data from public databases was too high to be consistent with this variant causing disease. Therefore, this variant is classified as benign.

Illumina Laboratory Services, Illumina
Classification: Benign for Tibial muscular dystrophy. Last evaluated: 2017-06-27. Review status: criteria provided, single submitter. Criteria: ICSL Variant Classification Criteria 13 December 2019. Collection method: clinical testing. Allele origin: germline.
Comment: the same text as in the submission from Illumina Laboratory Services, Illumina above.

Illumina Laboratory Services, Illumina
Classification: Benign for Dilated cardiomyopathy 1G. Last evaluated: 2017-06-27. Review status: criteria provided, single submitter. Criteria: ICSL Variant Classification Criteria 13 December 2019. Collection method: clinical testing. Allele origin: germline.
Comment: the same text as in the submission from Illumina Laboratory Services, Illumina above.

Illumina Laboratory Services, Illumina
Classification: Benign for Early-onset myopathy with fatal cardiomyopathy. Last evaluated: 2017-06-27. Review status: criteria provided, single submitter. Criteria: ICSL Variant Classification Criteria 13 December 2019. Collection method: clinical testing. Allele origin: germline.
Comment: the same text as in the submission from Illumina Laboratory Services, Illumina above.

Illumina Laboratory Services, Illumina
Classification: Benign for Myopathy, myofibrillar, 9, with early respiratory failure. Last evaluated: 2017-06-27. Review status: criteria provided, single submitter. Criteria: ICSL Variant Classification Criteria 13 December 2019. Collection method: clinical testing. Allele origin: germline.
Comment: the same text as in the submission from Illumina Laboratory Services, Illumina above.

CHEO Genetics Diagnostic Laboratory, Children's Hospital of Eastern Ontario
Classification: Benign for Cardiomyopathy. Last evaluated: 2017-03-22. Review status: criteria provided, single submitter. Criteria: ACMG Guidelines, 2015. Collection method: clinical testing. Allele origin: germline. Study: Canadian Open Genetics Repository.

Laboratory for Molecular Medicine, Mass General Brigham Personalized Medicine
Classification: Benign. Last evaluated: 2015-03-21. Review status: criteria provided, single submitter. Criteria: LMM Criteria. Collection method: clinical testing. Allele origin: germline. Observed: 9 variant alleles.
Comment: p.Thr23012Met in exon 275 of TTN: This variant is not expected to have clinical significance because it has been identified in 2.1% (178/8516) of East Asian chr omosomes by the Exome Aggregation Consortium (ExAC, rg; dbSNP rs56372592).

GeneDx
Classification: Benign. Last evaluated: 2014-08-13. Review status: criteria provided, single submitter. Criteria: GeneDx Variant Classification (06012015). Collection method: clinical testing. Allele origin: germline. Affected: yes.
Comment: This variant is considered likely benign or benign based on one or more of the following criteria: it is a conservative change, it occurs at a poorly conserved position in the protein, it is predicted to be benign by multiple in silico algorithms, and/or has population frequency not consistent with disease.

Eurofins Ntd Llc (ga)
Classification: Benign. Last evaluated: 2013-11-26. Review status: criteria provided, single submitter. Criteria: EGL Classification Definitions 2015. Collection method: clinical testing. Allele origin: germline. Observed: 5 variant alleles, 5 heterozygotes.

Biesecker Lab/Clinical Genomics Section, National Institutes of Health
Classification: Likely benign. Last evaluated: 2013-06-24. Review status: criteria provided, single submitter. Criteria: Ng et al. (Circ Cardiovasc Genet. 2013). Collection method: research. Allele origin: unknown. Observed: 4 variant alleles. Study: ClinSeq.
Comment: The study set was not selected for affection status in relation to any cancer. Pathogenicity categories were based on literature curation. See Pubmed ID:23861362 for details.

Medical sequencing

Ambry Genetics
Classification: Likely benign for Cardiovascular phenotype. Last evaluated: 2013-01-30. Review status: criteria provided, single submitter. Criteria: Ambry Autosomal Dominant and X-Linked criteria (10/2015). Collection method: clinical testing. Allele origin: germline. Observed: 1 variant allele.

Clinical Genetics DNA and cytogenetics Diagnostics Lab, Erasmus MC, Erasmus Medical Center
Classification: Likely benign. Review status: no assertion criteria provided. Collection method: clinical testing. Allele origin: germline. Affected: yes. Study: VKGL Data-share Consensus. Not counted in ClinVar's aggregate classification.

Clinical Genetics, Academic Medical Center
Classification: Benign. Review status: no assertion criteria provided. Collection method: clinical testing. Allele origin: germline. Affected: yes. Study: VKGL Data-share Consensus. Not counted in ClinVar's aggregate classification.

Diagnostic Laboratory, Department of Genetics, University Medical Center Groningen
Classification: Likely benign. Review status: no assertion criteria provided. Collection method: clinical testing. Allele origin: germline. Affected: yes. Study: VKGL Data-share Consensus. Not counted in ClinVar's aggregate classification.

Genome Diagnostics Laboratory, University Medical Center Utrecht
Classification: Benign. Review status: no assertion criteria provided. Collection method: clinical testing. Allele origin: germline. Affected: yes. Study: VKGL Data-share Consensus. Not counted in ClinVar's aggregate classification.

Joint Genome Diagnostic Labs from Nijmegen and Maastricht, Radboudumc and MUMC+
Classification: Benign. Review status: no assertion criteria provided. Collection method: clinical testing. Allele origin: germline. Affected: yes. Study: VKGL Data-share Consensus. Not counted in ClinVar's aggregate classification.

Laboratory of Diagnostic Genome Analysis, Leiden University Medical Center (LUMC)
Classification: Likely benign. Review status: no assertion criteria provided. Collection method: clinical testing. Allele origin: germline. Affected: yes. Study: VKGL Data-share Consensus. Not counted in ClinVar's aggregate classification.

NM_001267550.2(TTN):c.76739C>T (p.Thr25580Met)

Genes: TTN (titin; minus strand), TTN-AS1 (TTN antisense RNA 1; plus strand). Cytogenetic location: 2q31.2.
Variant type: single nucleotide variant.
Coding change: c.76739C>T on transcript NM_001267550.2 (MANE Select); coding-DNA position 76739, C replaced by T.
Protein change: p.Thr25580Met; replaces threonine 25580 with methionine.
Molecular consequence: missense variant.
Genome position (GRCh38, 1-based): chr2:178,569,393, G>A on the plus strand (C>T on the coding strand, the complement: TTN is on the minus strand). VCF-style: chr2-178569393-G-A. GRCh37 (hg19) VCF-style: chr2-179434120-G-A.
Other names: p.T23939M:ACG>ATG; p.Thr23939Met; c.71816C>T, p.Thr23939Met (NM_001256850.1); c.49544C>T, p.Thr16515Met (NM_003319.4); c.69035C>T, p.Thr23012Met (NM_133378.4); c.49919C>T, p.Thr16640Met (NM_133432.3); c.50120C>T, p.Thr16707Met (NM_133437.4); short protein forms T25580M, T23012M, T23939M, T16640M, T16707M, T16515M.
Identifiers: ClinVar variation 47351 (VCV000047351.83), dbSNP rs56372592, ClinGen allele CA235066.
Genomic context (GRCh38, chr2:178,569,393, plus strand): 5'-TCCAGAACTCTCACAGTAACAAAGGCAGACTTTGTTCCACTGCTGTTTTCTAATGTAAGC[G>A]TATATTTTCCACTATCATATCGGTTGACATTGTCAAGAACAAGAGAGGTGAAACTGCTAG-3'
Protein context (NP_001254479.2, residues 25570-25590): NVNRYDSGKY[Thr25580Met]LTLENSSGTK